The following is an entry in ClinVar:

NM_001367479.1(DNAH14):c.3059C>A (p.Ser1020Tyr)

Gene: DNAH14 (dynein axonemal heavy chain 14; plus strand). Cytogenetic location: 1q42.12.
Variant type: single nucleotide variant.
Coding change: c.3059C>A on transcript NM_001367479.1 (MANE Select); coding-DNA position 3059, C replaced by A.
Protein change: p.Ser1020Tyr; replaces serine 1020 with tyrosine.
Molecular consequence: missense variant.
Genome position (GRCh38, 1-based): chr1:225,080,671, C>A. VCF-style: chr1-225080671-C-A. GRCh37 (hg19) VCF-style: chr1-225268373-C-A.
Other names: NM_001373.1:c.3059C>A; short protein forms S1020Y.
Identifiers: ClinVar variation 2369600 (VCV002369600.4), dbSNP rs916787521, ClinGen allele CA38477587.
Genomic context (GRCh38, chr1:225,080,671, plus strand): 5'-AAAAACTATGGGAAGCACAAGAGGAGTGGAAGCGAGCCTCTTGGGAATGGAGGAATAGTT[C>A]TCTTCAAAGTATTGATGTAGAATCAGTACAGAGAAATGTTTCAAAACTGATGCACATAAT-3'
Protein context (NP_001354408.1, residues 1010-1030): KRASWEWRNS[Ser1020Tyr]LQSIDVESVQ

ClinVar aggregate classification (germline): Uncertain significance. Review status: criteria provided, multiple submitters, no conflicts (2 of 4 stars). 2 submissions from 2 submitters: Uncertain significance (2). Last evaluated 2025-09-30.

Allele frequency attached by ClinVar (database versions not stated): gnomAD 0.00002; TOPMed 0.00003.
gnomAD v4.1: 43 of 1,551,540 alleles (0.0028%); highest among the groups gnomAD compares: Non-Finnish European, 0.0034%; no homozygotes.

Submissions (2):

GeneDx
Classification: Uncertain significance. Last evaluated: 2025-09-30. Review status: criteria provided, single submitter. Criteria: GeneDx Variant Classification Process June 2021. Collection method: clinical testing. Allele origin: germline.
Comment: In silico analysis suggests that this missense variant does not alter protein structure/function; Has not been previously published as pathogenic or benign to our knowledge

Ambry Genetics
Classification: Uncertain significance. Last evaluated: 2021-07-27. Review status: criteria provided, single submitter. Criteria: Ambry Variant Classification Scheme 2023. Collection method: clinical testing. Allele origin: germline.